The following is an entry in ClinVar:

ClinVar aggregate classification (germline): Uncertain significance (1 of 4 stars; one submission).

Submission:

Women's Health and Genetics/Laboratory Corporation of America, LabCorp
Classification: Uncertain significance. Last evaluated: 2024-07-05. Review status: criteria provided, single submitter. Criteria: LabCorp Variant Classification Summary - May 2015. Collection method: clinical testing. Allele origin: germline.
Comment: Variant summary: MYO7A c.6354G>A (p.Lys2118Lys) alters a conserved nucleotide located close to a canonical splice site and therefore could affect mRNA splicing, leading to a significantly altered protein sequence. Several computational tools predict a significant impact on normal splicing: Four predict the variant abolishes a 5' splicing donor site. One predicts the variant weakens a cryptic 5' donor site. However, these predictions have yet to be confirmed by functional studies. The variant was absent in 248512 control chromosomes (gnomAD). The available data on variant occurrences in the general population are insufficient to allow any conclusion about variant significance. To our knowledge, no occurrence of c.6354G>A in individuals affected with Usher Syndrome and no experimental evidence demonstrating its impact on protein function have been reported. No submitters have cited clinical-significance assessments for this variant to ClinVar. Based on the evidence outlined above, the variant was classified as uncertain significance.

NM_000260.4(MYO7A):c.6354G>A (p.Lys2118=)

Gene: MYO7A (myosin VIIA; plus strand). Cytogenetic location: 11q13.5.
Variant type: single nucleotide variant.
Coding change: c.6354G>A on transcript NM_000260.4 (MANE Select); coding-DNA position 6354, G replaced by A.
Protein change: p.Lys2118=; no amino-acid change (lysine 2118 retained).
Molecular consequence: synonymous variant. On other transcripts: intron variant (1).
Genome position (GRCh38, 1-based): chr11:77,211,937, G>A. VCF-style: chr11-77211937-G-A. GRCh37 (hg19) VCF-style: chr11-76922982-G-A.
Other names: c.6207G>A, p.Lys2069= (NM_001369365.1); c.6234+6G>A (NM_001127180.2).
Identifiers: ClinVar variation 3339128 (VCV003339128.1).